The following is an entry in ClinVar:

ClinVar aggregate classification (germline): Uncertain significance (1 of 4 stars; one submission).

Conditions:
Catecholaminergic polymorphic ventricular tachycardia 1. Also called: VENTRICULAR TACHYCARDIA, STRESS-INDUCED POLYMORPHIC 1; VENTRICULAR TACHYCARDIA, CATECHOLAMINERGIC POLYMORPHIC, 1, WITH OR WITHOUT ATRIAL DYSFUNCTION AND/OR DILATED CARDIOMYOPATHY; RYR2-Related Catecholaminergic Polymorphic Ventricular Tachycardia. Identifiers: Orphanet 3286, MedGen C1631597, MONDO:0011484, OMIM 604772.

Submission:

Labcorp Genetics (formerly Invitae), Labcorp
Classification: Uncertain significance for Catecholaminergic polymorphic ventricular tachycardia 1. Last evaluated: 2020-07-12. Review status: criteria provided, single submitter. Criteria: Invitae Variant Classification Sherloc (09022015). Collection method: clinical testing. Allele origin: germline.
Comment: This variant results in a copy number gain of the genomic region encompassing exon(s) 26-101 of the RYR2 gene. While the exact position of this variant cannot be determined from the data, sub-genic copy number gains are generally in tandem (PMID: 25640679). This variant is predicted to be out-of-frame, and may result in an absent or disrupted protein product. This variant has not been reported in the literature in individuals with RYR2-related conditions. The current clinical and genetic evidence is not sufficient to establish whether loss-of-function variants in RYR2 cause disease. In summary, the available evidence is currently insufficient to determine the role of this variant in disease. Therefore, it has been classified as a Variant of Uncertain Significance.

Literature cited by the submitters: PubMed 25640679.

NC_000001.10:g.(?_237711721)_(237982502_?)dup

Gene: RYR2 (ryanodine receptor 2; plus strand). Cytogenetic location: 1q43.
Variant type: Duplication.
Identifiers: ClinVar variation 1056049 (VCV001056049.44).